The following is an entry in ClinVar:

ClinVar aggregate classification (germline): Conflicting classifications of pathogenicity. Review status: criteria provided, conflicting classifications (1 of 4 stars). 2 submissions from 2 submitters: Uncertain significance (1); Likely benign (1). Last evaluated 2023-11-09.

Allele frequency attached by ClinVar (database versions not stated): gnomAD exomes below 0.00001; ExAC 0.00001; gnomAD 0.00001; TOPMed 0.00001.
gnomAD v4.1: 6 of 1,612,318 alleles (0.00037%); highest among the groups gnomAD compares: African/African-American, 0.004%; no homozygotes.

Submissions (2):

GeneDx
Classification: Uncertain significance. Last evaluated: 2023-11-09. Review status: criteria provided, single submitter. Criteria: GeneDx Variant Classification Process June 2021. Collection method: clinical testing. Allele origin: germline. Affected: yes.
Comment: Has not been previously published as pathogenic or benign to our knowledge; In silico analysis suggests this variant may impact gene splicing. In the absence of RNA/functional studies, the actual effect of this sequence change is unknown.

Labcorp Genetics (formerly Invitae), Labcorp
Classification: Likely benign. Last evaluated: 2021-12-19. Review status: criteria provided, single submitter. Criteria: Invitae Variant Classification Sherloc (09022015). Collection method: clinical testing. Allele origin: germline.

NM_005529.7(HSPG2):c.2856C>T (p.His952=)

Gene: HSPG2 (heparan sulfate proteoglycan 2; minus strand). Cytogenetic location: 1p36.12.
Variant type: single nucleotide variant.
Coding change: c.2856C>T on transcript NM_005529.7 (MANE Select); coding-DNA position 2856, C replaced by T.
Protein change: p.His952=; no amino-acid change (histidine 952 retained).
Molecular consequence: synonymous variant.
Genome position (GRCh38, 1-based): chr1:21,876,376, G>A on the plus strand (C>T on the coding strand, the complement: HSPG2 is on the minus strand). VCF-style: chr1-21876376-G-A. GRCh37 (hg19) VCF-style: chr1-22202869-G-A.
Other names: c.2859C>T, p.His953= (NM_001291860.2); c.2856C>T (NM_005529.5).
Identifiers: ClinVar variation 2420093 (VCV002420093.8), dbSNP rs753151119, ClinGen allele CA672831.